The following is an entry in ClinVar:

NM_004082.5(DCTN1):c.3652A>G (p.Thr1218Ala)

Gene: DCTN1 (dynactin subunit 1; minus strand). Cytogenetic location: 2p13.1.
Variant type: single nucleotide variant.
Coding change: c.3652A>G on transcript NM_004082.5 (MANE Select); coding-DNA position 3652, A replaced by G.
Protein change: p.Thr1218Ala; replaces threonine 1218 with alanine.
Molecular consequence: missense variant. On other transcripts: non-coding transcript variant (1).
Genome position (GRCh38, 1-based): chr2:74,362,099, T>C on the plus strand (A>G on the coding strand, the complement: DCTN1 is on the minus strand). VCF-style: chr2-74362099-T-C. GRCh37 (hg19) VCF-style: chr2-74589226-T-C.
Other names: c.3577A>G, p.Thr1193Ala (NM_001135040.3); c.3235A>G, p.Thr1079Ala (NM_001135041.3); c.3526A>G, p.Thr1176Ala (NM_001190836.2); c.3631A>G, p.Thr1211Ala (NM_001190837.2); c.3601A>G, p.Thr1201Ala (NM_001378991.1); c.3583A>G, p.Thr1195Ala (NM_001378992.1); c.3250A>G, p.Thr1084Ala (NM_023019.4); short protein forms T1176A, T1084A, T1218A, T1079A, T1211A, T1193A, T1195A, T1201A.
Identifiers: ClinVar variation 536146 (VCV000536146.15), dbSNP rs886070472, ClinGen allele CA50474012.
Genomic context (GRCh38, chr2:74,362,099, plus strand): 5'-TGCTCCCCCTCACCCTGAGGAAGGCTGATGAAGGGAAGGTGGCAAAGTCAGTGGGTACTG[T>C]GGCTCCAGGGCGCTGAGATACTGTCTCCTTGAGGACCTCATCCTAGGGAAGGGGAGAGGA-3'
Protein context (NP_004073.2, residues 1208-1228): KETVSQRPGA[Thr1218Ala]VPTDFATFPS

ClinVar aggregate classification (germline): Uncertain significance. Review status: criteria provided, multiple submitters, no conflicts (2 of 4 stars). 5 submissions from 4 submitters: Uncertain significance (5). Last evaluated 2026-08-27.

Conditions:
DCTN1-related disorder. Also called: DCTN1-related condition.
Inborn genetic diseases. Identifiers: MedGen C0950123, MeSH D030342.
Neuronopathy, distal hereditary motor, type 7B. Also called: NEURONOPATHY, DISTAL HEREDITARY MOTOR, AUTOSOMAL DOMINANT 14; NEURONOPATHY, DISTAL HEREDITARY MOTOR, HARDING TYPE VIIB; NEUROPATHY, DISTAL HEREDITARY MOTOR, HARDING TYPE VIIB; NEUROPATHY, DISTAL HEREDITARY MOTOR, WITH VOCAL CORD PARALYSIS, HARDING TYPE VIIB; Distal Hereditary Motor Neuronopathy Type 7B (dHMN7B); HMN VIIB. Identifiers: Orphanet 139589, MedGen C1843315, MONDO:0011879, OMIM 607641.
Perry syndrome. Also called: PARKINSONISM WITH ALVEOLAR HYPOVENTILATION AND MENTAL DEPRESSION. Identifiers: Orphanet 178509, MedGen C1868594, MONDO:0008201, OMIM 168605.
Amyotrophic lateral sclerosis type 1 (ALS1). Also called: AMYOTROPHIC LATERAL SCLEROSIS 1, FAMILIAL. Identifiers: Orphanet 803, MedGen C1862939, MONDO:0007103, OMIM 105400.

Allele frequency attached by ClinVar (database versions not stated): gnomAD exomes below 0.00001 and 0.00001; TOPMed 0.00001.
gnomAD v4.1: 4 of 1,613,848 alleles (0.00025%); highest among the groups gnomAD compares: Non-Finnish European, 0.00034%; no homozygotes.

Submissions (5):

PreventionGenetics, part of Exact Sciences
Classification: Uncertain significance for DCTN1-related condition. Last evaluated: 2026-08-27. Review status: criteria provided, single submitter. Criteria: ACMG Guidelines, 2015. Collection method: clinical testing. Allele origin: germline.
Comment: The DCTN1 c.3652A>G variant is predicted to result in the amino acid substitution p.Thr1218Ala. To our knowledge, this variant has not been reported in the literature. This variant is reported in 0.00088% of alleles in individuals of European (non-Finnish) descent in gnomAD. At this time, the clinical significance of this variant is uncertain due to the absence of conclusive functional and genetic evidence.

Ambry Genetics
Classification: Uncertain significance for Inborn genetic diseases. Last evaluated: 2025-04-12. Review status: criteria provided, single submitter. Criteria: Ambry Variant Classification Scheme 2023. Collection method: clinical testing. Allele origin: germline.

Labcorp Genetics (formerly Invitae), Labcorp
Classification: Uncertain significance for Amyotrophic lateral sclerosis type 1; Neuronopathy, distal hereditary motor, type 7B; Perry syndrome. Last evaluated: 2022-08-10. Review status: criteria provided, single submitter. Criteria: Invitae Variant Classification Sherloc (09022015). Collection method: clinical testing. Allele origin: germline.
Comment: In summary, the available evidence is currently insufficient to determine the role of this variant in disease. Therefore, it has been classified as a Variant of Uncertain Significance. Algorithms developed to predict the effect of missense changes on protein structure and function are either unavailable or do not agree on the potential impact of this missense change (SIFT: "Deleterious"; PolyPhen-2: "Benign"; Align-GVGD: "Class C55"). ClinVar contains an entry for this variant (Variation ID: 536146). This variant has not been reported in the literature in individuals affected with DCTN1-related conditions. This variant is present in population databases (no rsID available, gnomAD 0.002%). This sequence change replaces threonine, which is neutral and polar, with alanine, which is neutral and non-polar, at codon 1218 of the DCTN1 protein (p.Thr1218Ala).

Illumina Laboratory Services, Illumina
Classification: Uncertain significance for Neuronopathy, distal hereditary motor, type 7B. Last evaluated: 2018-01-13. Review status: criteria provided, single submitter. Criteria: ICSL Variant Classification Criteria 13 December 2019. Collection method: clinical testing. Allele origin: germline.

Illumina Laboratory Services, Illumina
Classification: Uncertain significance for Perry syndrome. Last evaluated: 2018-01-13. Review status: criteria provided, single submitter. Criteria: ICSL Variant Classification Criteria 13 December 2019. Collection method: clinical testing. Allele origin: germline.